The following is an entry in ClinVar:

ClinVar aggregate classification (germline): Pathogenic/Likely pathogenic. Review status: criteria provided, multiple submitters, no conflicts (2 of 4 stars). 3 submissions from 3 submitters: Pathogenic (2); Likely pathogenic (1). Last evaluated 2023-09-12.

Conditions:
Hereditary cancer-predisposing syndrome. Also called: Tumor predisposition; Hereditary Cancer Syndrome; Neoplastic Syndromes, Hereditary; Hereditary neoplastic syndrome. Identifiers: Orphanet 140162, MedGen C0027672, MeSH D009386, MONDO:0015356.
Familial cancer of breast. Also called: Hereditary breast cancer; BREAST CANCER, FAMILIAL; hereditary breast carcinoma. Identifiers: Orphanet 227535, MedGen C0346153, MONDO:0016419, OMIM 114480. Disease mechanism: loss of function.

Submissions (3):

Quest Diagnostics Nichols Institute San Juan Capistrano
Classification: Likely pathogenic. Last evaluated: 2023-09-12. Review status: criteria provided, single submitter. Criteria: Quest Diagnostics criteria. Collection method: clinical testing. Allele origin: unknown.
Comment: The PALB2 c.2549dup (p.Asn851Lysfs*33) variant alters the translational reading frame of the PALB2 mRNA and is predicted to cause the premature termination of PALB2 protein synthesis. This variant has not been reported in individuals with PALB2-related conditions in the published literature. This variant has not been reported in large, multi-ethnic general populations (Genome Aggregation Database). Based on the available information, this variant is classified as likely pathogenic.

Myriad Genetics, Inc.
Classification: Pathogenic for Familial cancer of breast. Last evaluated: 2023-05-18. Review status: criteria provided, single submitter. Criteria: Myriad Autosomal Dominant, Autosomal Recessive and X-Linked Classification Criteria (2023). Collection method: clinical testing. Allele origin: unknown.
Comment: This variant is considered pathogenic. This variant creates a frameshift predicted to result in premature protein truncation.

Ambry Genetics
Classification: Pathogenic for Hereditary cancer-predisposing syndrome. Last evaluated: 2021-03-17. Review status: criteria provided, single submitter. Criteria: Ambry Variant Classification Scheme 2023. Collection method: clinical testing. Allele origin: germline.
Comment: The c.2549dupT pathogenic mutation, located in coding exon 6 of the PALB2 gene, results from a duplication of T at nucleotide position 2549, causing a translational frameshift with a predicted alternate stop codon (p.N851Kfs*33). This alteration is expected to result in loss of function by premature protein truncation or nonsense-mediated mRNA decay. As such, this alteration is interpreted as a disease-causing mutation.

NM_024675.4(PALB2):c.2549dup (p.Asn851fs)

Gene: PALB2 (partner and localizer of BRCA2; minus strand). Cytogenetic location: 16p12.2.
Variant type: Duplication.
Coding change: c.2549dup on transcript NM_024675.4 (MANE Select); coding-DNA position 2549, one base duplicated (T; older notation c.2549dupT).
Protein change: p.Asn851fs; shifts the reading frame from asparagine 851.
Molecular consequence: frameshift variant.
Genome position (GRCh38, 1-based): chr16:23,629,241, A duplicated on the plus strand (T on the coding strand, the reverse complement: PALB2 is on the minus strand). VCF-style (leftmost placement, unchanged base first): chr16-23629240-T-TA. GRCh37 (hg19) VCF-style: chr16-23640561-T-TA.
Other names: c.2489dup, p.Asn831Lysfs (NM_001407296.1); c.2549dup, p.Asn851Lysfs (NM_001407298.1, NM_001407299.1, NM_001407300.1 and 2 more transcripts); c.1664dup, p.Asn556Lysfs (NM_001407304.1, NM_001407305.1, NM_001407306.1 and 5 more transcripts); c.761dup, p.Asn255Lysfs (NM_001407312.1, NM_001407313.1); c.83dup, p.Asn29Lysfs (NM_001407314.1); c.2549dupT (NM_024675.3); short protein forms N851fs.
Identifiers: ClinVar variation 1792915 (VCV001792915.5), dbSNP rs2506396824, ClinGen allele CA2580091298.